The following is an entry in ClinVar:

ClinVar aggregate classification (germline): Uncertain significance (1 of 4 stars; one submission).

Conditions:
Developmental and epileptic encephalopathy, 12 (DEE12). Identifiers: MedGen C3150988, MONDO:0013389, OMIM 613722.

Submission:

Labcorp Genetics (formerly Invitae), Labcorp
Classification: Uncertain significance for Early infantile epileptic encephalopathy 12. Last evaluated: 2019-10-07. Review status: criteria provided, single submitter. Criteria: Invitae Variant Classification Sherloc (09022015). Collection method: clinical testing. Allele origin: germline.
Comment: This variant is a gross duplication of the genomic region encompassing exons 1-3 of the PLCB1 gene. The 5' end of this event is unknown as it extends beyond the assayed region for this gene and therefore may encompass additional genes. The 3' boundary is likely confined to intron 3 of the PLCB1 gene. This variant has not been reported in the literature in individuals with a PLCB1-related disease. In summary, the exact genomic location of this variant is unknown and the impact of this duplication on PLCB1 protein function has not been established. Therefore, it has been classified as a Variant of Uncertain Significance.

NC_000020.10:g.(?_8113279)_(8352117_?)dup

Gene: PLCB1 (phospholipase C beta 1; plus strand). Cytogenetic location: 20p12.3.
Variant type: Duplication.
Identifiers: ClinVar variation 471502 (VCV000471502.2).